The following is an entry in ClinVar:

NM_006947.4(SRP72):c.106A>T (p.Lys36Ter)

Gene: SRP72 (signal recognition particle 72; plus strand). Cytogenetic location: 4q12.
Variant type: single nucleotide variant.
Coding change: c.106A>T on transcript NM_006947.4 (MANE Select); coding-DNA position 106, A replaced by T.
Protein change: p.Lys36Ter; replaces lysine 36 with a stop codon.
Molecular consequence: nonsense. On other transcripts: non-coding transcript variant (1).
Genome position (GRCh38, 1-based): chr4:56,467,741, A>T. VCF-style: chr4-56467741-A-T. GRCh37 (hg19) VCF-style: chr4-57333907-A-T.
Other names: c.106A>T (NM_006947.3); c.106A>T, p.Lys36Ter (NM_001267722.2); short protein forms K36*.
Identifiers: ClinVar variation 1497666 (VCV001497666.8), dbSNP rs763766284, ClinGen allele CA2930953.

ClinVar aggregate classification (germline): Uncertain significance. Review status: criteria provided, multiple submitters, no conflicts (2 of 4 stars). 3 submissions from 3 submitters: Uncertain significance (3). Last evaluated 2025-03-20.

Allele frequency attached by ClinVar (database versions not stated): gnomAD exomes 0.00001 and 0.00002; ExAC 0.00002; gnomAD 0.00002.
gnomAD v4.1: 17 of 1,535,188 alleles (0.0011%); highest among the groups gnomAD compares: Non-Finnish European, 0.00035%; no homozygotes.

Submissions (3):

Labcorp Genetics (formerly Invitae), Labcorp
Classification: Uncertain significance. Last evaluated: 2025-03-20. Review status: criteria provided, single submitter. Criteria: Invitae Variant Classification Sherloc (09022015). Collection method: clinical testing. Allele origin: germline.
Comment: This sequence change creates a premature translational stop signal (p.Lys36*) in the SRP72 gene. It is expected to result in an absent or disrupted protein product. However, the current clinical and genetic evidence is not sufficient to establish whether loss-of-function variants in SRP72 cause disease. This variant is present in population databases (rs763766284, gnomAD 0.03%). This variant has not been reported in the literature in individuals affected with SRP72-related conditions. ClinVar contains an entry for this variant (Variation ID: 1497666). In summary, the available evidence is currently insufficient to determine the role of this variant in disease. Therefore, it has been classified as a Variant of Uncertain Significance.

GeneDx
Classification: Uncertain significance. Last evaluated: 2025-02-09. Review status: criteria provided, single submitter. Criteria: GeneDx Variant Classification Process June 2021. Collection method: clinical testing. Allele origin: germline. Affected: yes.
Comment: Not observed at significant frequency in large population cohorts (gnomAD); Nonsense variant predicted to result in protein truncation or nonsense mediated decay in a gene or region of a gene for which loss of function is not a well-established mechanism of disease; Has not been previously published as pathogenic or benign to our knowledge

Blueprint Genetics
Classification: Uncertain significance. Last evaluated: 2020-05-26. Review status: criteria provided, single submitter. Criteria: ACMG Guidelines, 2015. Collection method: clinical testing. Allele origin: germline.